The following is an entry in ClinVar:

ClinVar aggregate classification (germline): Uncertain significance (1 of 4 stars; one submission).

Conditions:
Epilepsy, familial focal, with variable foci 3 (FFEVF3). Identifiers: MedGen C4310708, MONDO:0014925, OMIM 617118.

Submission:

Labcorp Genetics (formerly Invitae), Labcorp
Classification: Uncertain significance for Epilepsy, familial focal, with variable foci 3. Last evaluated: 2022-06-15. Review status: criteria provided, single submitter. Criteria: Invitae Variant Classification Sherloc (09022015). Collection method: clinical testing. Allele origin: germline.
Comment: This variant results in a copy number gain of the genomic region encompassing exon(s) 12-14 of the NPRL3 gene. This region includes the termination codon of the gene. This copy number gain extends beyond the assayed region for this gene and therefore may encompass additional genes. As the precise location of this event is unknown, it may be in tandem or it may be located elsewhere in the genome. This variant has not been reported in the literature in individuals affected with NPRL3-related conditions. In summary, the available evidence is currently insufficient to determine the role of this variant in disease. Therefore, it has been classified as a Variant of Uncertain Significance.

NC_000016.9:g.(?_136704)_(139920_?)dup

Gene: NPRL3 (NPR3 like, GATOR1 complex subunit; minus strand). Cytogenetic location: 16p13.3.
Variant type: Duplication.
Identifiers: ClinVar variation 2423615 (VCV002423615.3).